The following is an entry in ClinVar:

ClinVar aggregate classification (germline): Uncertain significance (1 of 4 stars; one submission).

gnomAD v4.1: 31 of 1,613,028 alleles (0.0019%); highest among the groups gnomAD compares: South Asian, 0.0066%; no homozygotes.

Submission:

Labcorp Genetics (formerly Invitae), Labcorp
Classification: Uncertain significance. Last evaluated: 2025-06-30. Review status: criteria provided, single submitter. Criteria: Invitae Variant Classification Sherloc (09022015). Collection method: clinical testing. Allele origin: germline.
Comment: This sequence change replaces asparagine, which is neutral and polar, with serine, which is neutral and polar, at codon 113 of the ISCA1 protein (p.Asn113Ser). This variant is present in population databases (rs202167982, gnomAD 0.02%). This variant has not been reported in the literature in individuals affected with ISCA1-related conditions. An algorithm developed to predict the effect of missense changes on protein structure and function (PolyPhen-2) suggests that this variant is likely to be tolerated. In summary, the available evidence is currently insufficient to determine the role of this variant in disease. Therefore, it has been classified as a Variant of Uncertain Significance.

NM_030940.4(ISCA1):c.338A>G (p.Asn113Ser)

Gene: ISCA1 (iron-sulfur cluster assembly 1; minus strand). Cytogenetic location: 9q21.33.
Variant type: single nucleotide variant.
Coding change: c.338A>G on transcript NM_030940.4 (MANE Select); coding-DNA position 338, A replaced by G.
Protein change: p.Asn113Ser; replaces asparagine 113 with serine.
Molecular consequence: missense variant.
Genome position (GRCh38, 1-based): chr9:86,266,095, T>C on the plus strand (A>G on the coding strand, the complement: ISCA1 is on the minus strand). VCF-style: chr9-86266095-T-C. GRCh37 (hg19) VCF-style: chr9-88881010-T-C.
Other names: short protein forms N113S.
Identifiers: ClinVar variation 4748531 (VCV004748531.1).